The following is an entry in ClinVar:

ClinVar aggregate classification (germline): Uncertain significance (1 of 4 stars; one submission).

Conditions:
Early-infantile DEE. Also called: Ohtahara syndrome; Early infantile epileptic encephalopathy with suppression bursts; Early infantile epileptic encephalopathy. Identifiers: Orphanet 1934, MedGen C0393706, MONDO:0800491.

Submission:

Labcorp Genetics (formerly Invitae), Labcorp
Classification: Uncertain significance for Early-infantile DEE. Last evaluated: 2022-07-19. Review status: criteria provided, single submitter. Criteria: Invitae Variant Classification Sherloc (09022015). Collection method: clinical testing. Allele origin: germline.
Comment: In summary, the available evidence is currently insufficient to determine the role of this variant in disease. Therefore, it has been classified as a Variant of Uncertain Significance. Advanced modeling of protein sequence and biophysical properties (such as structural, functional, and spatial information, amino acid conservation, physicochemical variation, residue mobility, and thermodynamic stability) performed at Invitae indicates that this missense variant is expected to disrupt SCN1A protein function. This variant has not been reported in the literature in individuals affected with SCN1A-related conditions. This variant is not present in population databases (gnomAD no frequency). This sequence change replaces leucine, which is neutral and non-polar, with glutamine, which is neutral and polar, at codon 1583 of the SCN1A protein (p.Leu1583Gln).

NM_001165963.4(SCN1A):c.4748T>A (p.Leu1583Gln)

Genes: SCN1A (sodium voltage-gated channel alpha subunit 1; minus strand), LOC102724058 (uncharacterized LOC102724058; plus strand). Cytogenetic location: 2q24.3.
Variant type: single nucleotide variant.
Coding change: c.4748T>A on transcript NM_001165963.4 (MANE Select); coding-DNA position 4748, T replaced by A.
Protein change: p.Leu1583Gln; replaces leucine 1583 with glutamine.
Molecular consequence: missense variant. On other transcripts: non-coding transcript variant (1).
Genome position (GRCh38, 1-based): chr2:165,994,250, A>T on the plus strand (T>A on the coding strand, the complement: SCN1A is on the minus strand). VCF-style: chr2-165994250-A-T. GRCh37 (hg19) VCF-style: chr2-166850760-A-T.
Other names: c.4664T>A, p.Leu1555Gln (NM_001165964.3, NM_001353957.2, NM_001353958.2); c.4748T>A, p.Leu1583Gln (NM_001202435.3, NM_001353948.2); c.4715T>A, p.Leu1572Gln (NM_001353949.2, NM_001353950.2, NM_001353951.2 and 2 more transcripts); c.4712T>A, p.Leu1571Gln (NM_001353954.2, NM_001353955.2); c.4661T>A, p.Leu1554Gln (NM_001353960.2); c.2306T>A, p.Leu769Gln (NM_001353961.2); short protein forms L1571Q, L1555Q, L1572Q, L1583Q, L769Q, L1554Q.
Identifiers: ClinVar variation 2077002 (VCV002077002.4), dbSNP rs2468359267, ClinGen allele CA349071696.